The following is an entry in ClinVar:

ClinVar aggregate classification (germline): Uncertain significance (1 of 4 stars; one submission).

Conditions:
SHANK3-related disorder. Also called: SHANK3-related condition.

Allele frequency attached by ClinVar (database versions not stated): gnomAD exomes below 0.00001.

Submission:

PreventionGenetics, part of Exact Sciences
Classification: Uncertain significance for SHANK3-related condition. Last evaluated: 2023-06-07. Review status: criteria provided, single submitter. Criteria: ACMG Guidelines, 2015. Collection method: clinical testing. Allele origin: germline.
Comment: The SHANK3 c.4628T>C variant is predicted to result in the amino acid substitution p.Leu1543Pro. To our knowledge, this variant has not been reported in the literature or in a large population database, indicating this variant is rare. At this time, the clinical significance of this variant is uncertain due to the absence of conclusive functional and genetic evidence.

NM_001372044.2(SHANK3):c.4853T>C (p.Leu1618Pro)

Gene: SHANK3 (SH3 and multiple ankyrin repeat domains 3; plus strand). Cytogenetic location: 22q13.33.
Variant type: single nucleotide variant.
Coding change: c.4853T>C on transcript NM_001372044.2 (MANE Select); coding-DNA position 4853, T replaced by C.
Protein change: p.Leu1618Pro; replaces leucine 1618 with proline.
Molecular consequence: missense variant.
Genome position (GRCh38, 1-based): chr22:50,730,744, T>C. VCF-style: chr22-50730744-T-C. GRCh37 (hg19) VCF-style: chr22-51169172-T-C.
Other names: c.4628T>C, p.Leu1543Pro (NM_033517.1); short protein forms L1543P, L1618P.
Identifiers: ClinVar variation 2628491 (VCV002628491.1), dbSNP rs1398570701, ClinGen allele CA515266312.
Genomic context (GRCh38, chr22:50,730,744, plus strand): 5'-CGCCCCTCACCTGGCGCTGACCCCTCTCCCTCCGCAGGCTCTTCAGCAGCCTCGGTGAGC[T>C]GAGCTCCATTTCAGCGCAGCGCAGCCCCGGGGGCCCGGGCGGCGGGGCCTCGTACTCGGT-3'
Protein context (NP_001358973.1, residues 1608-1628): AARLFSSLGE[Leu1618Pro]SSISAQRSPG